The following is an entry in ClinVar:

NM_002458.3(MUC5B):c.2478+8C>A

Gene: MUC5B (mucin 5B, oligomeric mucus/gel-forming; plus strand). Cytogenetic location: 11p15.5.
Variant type: single nucleotide variant.
Coding change: c.2478+8C>A on transcript NM_002458.3 (MANE Select); 8 bases into the intron after coding-DNA position 2478, C replaced by A.
Molecular consequence: intron variant.
Genome position (GRCh38, 1-based): chr11:1,234,313, C>A. VCF-style: chr11-1234313-C-A. GRCh37 (hg19) VCF-style: chr11-1255543-C-A.
Identifiers: ClinVar variation 227554 (VCV000227554.4), dbSNP rs369614780, ClinGen allele CA5804711.

ClinVar aggregate classification (germline): Likely benign (1 of 4 stars; one submission).

Allele frequency attached by ClinVar (database versions not stated): TOPMed 0.00002; ExAC 0.00003; gnomAD 0.00003; gnomAD exomes 0.00003 and 0.00006; ESP Exome Variant Server 0.00024.
gnomAD v4.1: 63 of 1,594,672 alleles (0.004%); highest among the groups gnomAD compares: Admixed American, 0.012%; no homozygotes.

Submission:

Laboratory for Molecular Medicine, Mass General Brigham Personalized Medicine
Classification: Likely benign. Last evaluated: 2015-12-16. Review status: criteria provided, single submitter. Criteria: LMM Criteria. Collection method: clinical testing. Allele origin: germline. Observed: 1 variant allele.
Comment: c.2478+8C>A in intron 20 of MUC5B: This variant is not expected to have clinical significance because it is not located within the conserved splice consensus se quence. It has been identified in 1/5190 Latino chromosomes by the Exome Aggrega tion Consortium (ExAC; dbSNP rs369614780).